The following is an entry in ClinVar:

ClinVar aggregate classification (germline): Uncertain significance (1 of 4 stars; one submission).

Conditions:
Sotos syndrome (SOTOS). Also called: Sotos' syndrome; CHROMOSOME 5q35 DELETION SYNDROME; SOTOS SYNDROME 1; CEREBRAL GIGANTISM; Distinctive facial appearance, overgrowth in childhood, and learning disabilities or delayed development. Identifiers: Orphanet 821, MedGen C0175695, MONDO:0019349, OMIM 117550.

Allele frequency attached by ClinVar (database versions not stated): TOPMed below 0.00001.

Submission:

Centre for Mendelian Genomics, University Medical Centre Ljubljana
Classification: Uncertain significance for Sotos syndrome. Last evaluated: 2018-10-10. Review status: criteria provided, single submitter. Criteria: ACMG Guidelines, 2015. Collection method: clinical testing. Allele origin: unknown. Affected: yes.
Comment: This variant was classified as: Uncertain significance. The available evidence on this variant's pathogenicity is insufficient or conflicting. The following ACMG criteria were applied in classifying this variant: PM2,PP3.

NM_022455.5(NSD1):c.7022C>T (p.Ser2341Phe)

Gene: NSD1 (nuclear receptor binding SET domain protein 1; plus strand). Cytogenetic location: 5q35.3.
Variant type: single nucleotide variant.
Coding change: c.7022C>T on transcript NM_022455.5 (MANE Select); coding-DNA position 7022, C replaced by T.
Protein change: p.Ser2341Phe; replaces serine 2341 with phenylalanine.
Molecular consequence: missense variant.
Genome position (GRCh38, 1-based): chr5:177,294,390, C>T. VCF-style: chr5-177294390-C-T. GRCh37 (hg19) VCF-style: chr5-176721391-C-T.
Other names: c.6149C>T, p.Ser2050Phe (NM_001365684.2, NM_001409308.1, NM_172349.5); c.7022C>T, p.Ser2341Phe (NM_001409301.1, NM_001409302.1, NM_001409303.1); c.6602C>T, p.Ser2201Phe (NM_001409304.1); c.6269C>T, p.Ser2090Phe (NM_001409305.1); c.6260C>T, p.Ser2087Phe (NM_001409306.1, NM_001409307.1); c.5900C>T, p.Ser1967Phe (NM_001409309.1); short protein forms S2341F, S2072F, S2050F, S2201F, S2087F, S2090F, S1967F.
Identifiers: ClinVar variation 931215 (VCV000931215.4), dbSNP rs1319472971, ClinGen allele CA362327951.
Genomic context (GRCh38, chr5:177,294,390, plus strand): 5'-CAGTGGCAGGACCAAGACCCCAGCTAAGCGACAAACCCTCTCCAGTGACCAGCCCAAGCT[C>T]CTCACCCTCAGTCAGGTCCCAACCACTGGAAAGACCTCTGGGGACGGCTGACCCAAGGCT-3'
Protein context (NP_071900.2, residues 2331-2351): DKPSPVTSPS[Ser2341Phe]SPSVRSQPLE